The following is an entry in ClinVar:

NM_000393.5(COL5A2):c.2234G>T (p.Ser745Ile)

Gene: COL5A2 (collagen type V alpha 2 chain; minus strand). Cytogenetic location: 2q32.2.
Variant type: single nucleotide variant.
Coding change: c.2234G>T on transcript NM_000393.5 (MANE Select); coding-DNA position 2234, G replaced by T.
Protein change: p.Ser745Ile; replaces serine 745 with isoleucine.
Molecular consequence: missense variant.
Genome position (GRCh38, 1-based): chr2:189,057,423, C>A on the plus strand (G>T on the coding strand, the complement: COL5A2 is on the minus strand). VCF-style: chr2-189057423-C-A. GRCh37 (hg19) VCF-style: chr2-189922149-C-A.
Other names: short protein forms S745I.
Identifiers: ClinVar variation 1518869 (VCV001518869.8), dbSNP rs2105575470, ClinGen allele CA349874308.

ClinVar aggregate classification (germline): Uncertain significance (1 of 4 stars; one submission).

Conditions:
Ehlers-Danlos syndrome, classic type, 1 (EDSCL1). Also called: EHLERS-DANLOS SYNDROME, GRAVIS TYPE; EHLERS-DANLOS SYNDROME, SEVERE CLASSIC TYPE; Ehlers-Danlos syndrome, type 1; Ehlers-Danlos Syndrome, Classic Type, COL5A1-Related; EDS I. Identifiers: MedGen C0268335, MONDO:0019567, OMIM 130000.

Submission:

Labcorp Genetics (formerly Invitae), Labcorp
Classification: Uncertain significance for Ehlers-Danlos syndrome, classic type, 1. Last evaluated: 2021-07-13. Review status: criteria provided, single submitter. Criteria: Invitae Variant Classification Sherloc (09022015). Collection method: clinical testing. Allele origin: germline.
Comment: In summary, the available evidence is currently insufficient to determine the role of this variant in disease. Therefore, it has been classified as a Variant of Uncertain Significance. Advanced modeling of protein sequence and biophysical properties (such as structural, functional, and spatial information, amino acid conservation, physicochemical variation, residue mobility, and thermodynamic stability) performed at Invitae indicates that this missense variant is not expected to disrupt COL5A2 protein function. This variant has not been reported in the literature in individuals affected with COL5A2-related conditions. This variant is not present in population databases (ExAC no frequency). This sequence change replaces serine with isoleucine at codon 745 of the COL5A2 protein (p.Ser745Ile). The serine residue is highly conserved and there is a large physicochemical difference between serine and isoleucine.